The following is an entry in ClinVar:

NC_000008.10:g.(68115487_68116914)_(68130374_68131665)del

Gene: ARFGEF1 (ADP ribosylation factor guanine nucleotide exchange factor 1; minus strand). Cytogenetic location: 8q13.2.
Variant type: Deletion.
Identifiers: ClinVar variation 2501177 (VCV002501177.1).

ClinVar aggregate classification (germline): Uncertain significance (1 of 4 stars; one submission).

Submission:

Women's Health and Genetics/Laboratory Corporation of America, LabCorp
Classification: Uncertain significance. Last evaluated: 2023-03-06. Review status: criteria provided, single submitter. Criteria: LabCorp Variant Classification Summary - May 2015. Collection method: clinical testing. Allele origin: germline.
Comment: Variant summary: The variant identified by MLPA or other technology involves the deletion of exons 31-35 in the ARFGEF1 gene. A presumed nomenclature of c.(4338+1_4339-1)_(4959+1_4960-1)del has been designated for the purposes of this classification. Although exact breakpoints of this CNV are not known, it is expected to result in a large in-frame deletion change in the ARFGEF1 gene. The variant was absent in 21694 control chromosomes (gnomaAD database, Structural Variants dataset). To our knowledge, no occurrence of c.(4338+1_4339-1)_(4959+1_4960-1)del in individuals affected with Developmental Delay, Impaired Speech, And Behavioral Abnormalities, With Or Without Seizures and no experimental evidence demonstrating its impact on protein function have been reported. No clinical diagnostic laboratories have submitted clinical-significance assessments for this variant to ClinVar after 2014. Based on the evidence outlined above, the variant was classified as uncertain significance.